The following is an entry in ClinVar:

NM_000548.5(TSC2):c.2760C>A (p.Val920=)

Gene: TSC2 (TSC complex subunit 2; plus strand). Cytogenetic location: 16p13.3.
Variant type: single nucleotide variant.
Coding change: c.2760C>A on transcript NM_000548.5 (MANE Select); coding-DNA position 2760, C replaced by A.
Protein change: p.Val920=; no amino-acid change (valine 920 retained).
Molecular consequence: synonymous variant.
Genome position (GRCh38, 1-based): chr16:2,076,508, C>A. VCF-style: chr16-2076508-C-A. GRCh37 (hg19) VCF-style: chr16-2126509-C-A.
Other names: c.2760C>A, p.Val920= (NM_001077183.3, NM_001114382.3, NM_001363528.2 and 3 more transcripts); c.2649C>A, p.Val883= (NM_001318827.2); c.2613C>A, p.Val871= (NM_001318829.2); c.2160C>A, p.Val720= (NM_001318831.2); c.2793C>A, p.Val931= (NM_001318832.2).
Identifiers: ClinVar variation 467966 (VCV000467966.16), dbSNP rs149490538, ClinGen allele CA041822.

ClinVar aggregate classification (germline): Benign/Likely benign. Review status: criteria provided, multiple submitters, no conflicts (2 of 4 stars). 4 submissions from 4 submitters: Benign (1); Likely benign (3). Last evaluated 2025-05-22.

Conditions:
Tuberous sclerosis syndrome (TSC). Also called: Tuberous Sclerosis Complex; Tuberous sclerosis. Identifiers: Orphanet 805, MedGen C0041341, MONDO:0001734.
Hereditary cancer-predisposing syndrome. Also called: Hereditary neoplastic syndrome; Neoplastic Syndromes, Hereditary; Tumor predisposition; Hereditary Cancer Syndrome. Identifiers: Orphanet 140162, MedGen C0027672, MeSH D009386, MONDO:0015356.
Tuberous sclerosis 2 (TSC2). Identifiers: Orphanet 805, MedGen C1860707, MONDO:0013199, OMIM 613254.

Allele frequency attached by ClinVar (database versions not stated): TOPMed 0.00002; gnomAD 0.00003.
gnomAD v4.1: 6 of 1,613,442 alleles (0.00037%); highest among the groups gnomAD compares: African/African-American, 0.008%; no homozygotes.

Submissions (4):

Myriad Genetics, Inc.
Classification: Benign for Tuberous sclerosis 2. Last evaluated: 2025-05-22. Review status: criteria provided, single submitter. Criteria: Myriad Autosomal Dominant, Autosomal Recessive and X-Linked Classification Criteria (2023). Collection method: clinical testing. Allele origin: unknown.
Comment: This variant is considered benign. This variant is a silent/synonymous amino acid change and it is not expected to impact splicing.

Labcorp Genetics (formerly Invitae), Labcorp
Classification: Likely benign for Tuberous sclerosis 2. Last evaluated: 2024-10-05. Review status: criteria provided, single submitter. Criteria: Invitae Variant Classification Sherloc (09022015). Collection method: clinical testing. Allele origin: germline.

All of Us Research Program, National Institutes of Health
Classification: Likely benign for Tuberous sclerosis syndrome. Last evaluated: 2023-10-02. Review status: criteria provided, single submitter. Criteria: ACMG Guidelines, 2015. Collection method: clinical testing. Allele origin: germline. Inheritance: Autosomal dominant inheritance. Observed: 1 variant allele, 1 heterozygote.
Comment: This study involves interpretation of variants in research participants for the purpose of population health screening. Participant phenotype was not available at the time of variant classification. Additional details can be found in publication PMID: 35346344, PMCID: PMC8962531

Ambry Genetics
Classification: Likely benign for Hereditary cancer-predisposing syndrome. Last evaluated: 2015-11-12. Review status: criteria provided, single submitter. Criteria: Ambry Variant Classification Scheme 2023. Collection method: clinical testing. Allele origin: germline.